The following is an entry in ClinVar:

ClinVar aggregate classification (germline): Likely benign. Review status: criteria provided, single submitter (1 of 4 stars). 3 submissions from 3 submitters: Likely benign (1). 2 of the submissions do not count toward it. Last evaluated 2025-12-28.

Conditions:
VPS13A-related disorder. Also called: VPS13A-related condition.
VPS13A-related neurodegenerative disease. Also called: Choreoacanthocytosis; Chorea-acanthocytosis; VPS13A Disease; Choreaacanthocytosis; LEVINE-CRITCHLEY SYNDROME; ACANTHOCYTOSIS WITH NEUROLOGIC DISORDER. Identifiers: Orphanet 2388, MedGen C0393576, MONDO:0008695, OMIM 200150.

Allele frequency attached by ClinVar (database versions not stated): gnomAD 0.00002 and 0.00008; gnomAD exomes 0.00004 and 0.00020; TOPMed 0.00008; ExAC 0.00023; 1000 Genomes Project 30x 0.00125; 1000 Genomes Project 0.00140.
gnomAD v4.1: 67 of 1,586,354 alleles (0.0042%); highest among the groups gnomAD compares: East Asian, 0.14%; no homozygotes.

Submissions (3):

Labcorp Genetics (formerly Invitae), Labcorp
Classification: Likely benign. Last evaluated: 2025-12-28. Review status: criteria provided, single submitter. Criteria: Invitae Variant Classification Sherloc (09022015). Collection method: clinical testing. Allele origin: germline.

Natera, Inc.
Classification: Likely benign for Choreaacanthocytosis. Last evaluated: 2020-08-31. Review status: no assertion criteria provided. Collection method: clinical testing. Allele origin: germline. Not counted in ClinVar's aggregate classification.

PreventionGenetics, part of Exact Sciences
Classification: Likely benign for VPS13A-related condition. Last evaluated: 2019-06-12. Review status: no assertion criteria provided. Collection method: clinical testing. Allele origin: germline. Not counted in ClinVar's aggregate classification.
Comment: This variant is classified as likely benign based on ACMG/AMP sequence variant interpretation guidelines (Richards et al. 2015 PMID: 25741868, with internal and published modifications).

NM_033305.3(VPS13A):c.8211+5G>A

Gene: VPS13A (vacuolar protein sorting 13 homolog A; plus strand). Cytogenetic location: 9q21.2.
Variant type: single nucleotide variant.
Coding change: c.8211+5G>A on transcript NM_033305.3 (MANE Select); 5 bases into the intron after coding-DNA position 8211, G replaced by A.
Molecular consequence: intron variant.
Genome position (GRCh38, 1-based): chr9:77,360,646, G>A. VCF-style: chr9-77360646-G-A. GRCh37 (hg19) VCF-style: chr9-79975562-G-A.
Other names: c.8094+5G>A (NM_001018037.2); c.8211+5G>A (NM_015186.4, NM_001018038.3).
Identifiers: ClinVar variation 700759 (VCV000700759.14), dbSNP rs183316143, ClinGen allele CA5093559.
Genomic context (GRCh38, chr9:77,360,646, plus strand): 5'-TTATCTATGCTTTAACAGACCTTATGACAGAAGCTGAGGTGACTGAAAATACAGAGGTAA[G>A]ACTTAAAATAATAACATTTGATGGAAAGGATTAGGGAAAAGATATTATTATAAATTTTTA-3'